The following is an entry in ClinVar:

ClinVar aggregate classification (germline): Uncertain significance (1 of 4 stars; one submission).

Submission:

Labcorp Genetics (formerly Invitae), Labcorp
Classification: Uncertain significance. Last evaluated: 2021-10-27. Review status: criteria provided, single submitter. Criteria: Invitae Variant Classification Sherloc (09022015). Collection method: clinical testing. Allele origin: germline.
Comment: In summary, the available evidence is currently insufficient to determine the role of this variant in disease. Therefore, it has been classified as a Variant of Uncertain Significance. Algorithms developed to predict the effect of sequence changes on RNA splicing suggest that this variant may create or strengthen a splice site. Algorithms developed to predict the effect of missense changes on protein structure and function are either unavailable or do not agree on the potential impact of this missense change (SIFT: "Tolerated"; PolyPhen-2: "Possibly Damaging"; Align-GVGD: "Class C0"). This variant has not been reported in the literature in individuals affected with ERBB2-related conditions. This variant is not present in population databases (gnomAD no frequency). This sequence change replaces leucine, a(n) neutral and non-polar amino acid, with valine, a(n) neutral and non-polar amino acid, at codon 485 of the ERBB2 protein (p.Leu485Val).

NM_004448.4(ERBB2):c.1453C>G (p.Leu485Val)

Gene: ERBB2 (erb-b2 receptor tyrosine kinase 2; plus strand). Cytogenetic location: 17q12.
Variant type: single nucleotide variant.
Coding change: c.1453C>G on transcript NM_004448.4 (MANE Select); coding-DNA position 1453, C replaced by G.
Protein change: p.Leu485Val; replaces leucine 485 with valine.
Molecular consequence: missense variant. On other transcripts: non-coding transcript variant (1), intron variant (1).
Genome position (GRCh38, 1-based): chr17:39,715,879, C>G. VCF-style: chr17-39715879-C-G. GRCh37 (hg19) VCF-style: chr17-37872132-C-G.
Other names: c.1363C>G, p.Leu455Val (NM_001005862.3, NM_001289938.2, NM_001382782.1 and 1 more transcripts); c.1408C>G, p.Leu470Val (NM_001289936.2); c.1453C>G, p.Leu485Val (NM_001289937.2, NM_001382785.1, NM_001382788.1 and 12 more transcripts); c.1570C>G, p.Leu524Val (NM_001382784.1, NM_001382786.1); c.1528C>G, p.Leu510Val (NM_001382787.1); c.1273C>G, p.Leu425Val (NM_001382799.1); c.1195C>G, p.Leu399Val (NM_001382802.1); c.625C>G, p.Leu209Val (NM_001382804.1); and 3 more; short protein forms L425V, L485V, L524V, L470V, L510V, L209V, L399V, L455V.
Identifiers: ClinVar variation 1444562 (VCV001444562.6), dbSNP rs2145657607, ClinGen allele CA399291551.